The following is an entry in ClinVar:

ClinVar aggregate classification (germline): Pathogenic. Review status: criteria provided, single submitter (1 of 4 stars). 3 submissions from 3 submitters: Pathogenic (1). 2 of the submissions do not count toward it. Last evaluated 2021-06-30.

Conditions:
Pseudohypoaldosteronism type 2B (PHA2B). Also called: Pseudohypoaldosteronism Type IIB. Identifiers: Orphanet 757, Orphanet 88939, MedGen C1840390, MONDO:0013777, OMIM 614491.

Submissions (3):

Fulgent Genetics
Classification: Pathogenic for Pseudohypoaldosteronism type 2B. Last evaluated: 2021-06-30. Review status: criteria provided, single submitter. Criteria: ACMG Guidelines, 2015. Collection method: clinical testing. Allele origin: unknown.
Comment: This variant has been detected in individual(s) who were sent for testing of Renasight - kidney gene panel.

OMIM
Classification: Pathogenic for PSEUDOHYPOALDOSTERONISM, TYPE IIB. Last evaluated: 2004-08-01. Review status: no assertion criteria provided. Collection method: literature only. Allele origin: germline. Not counted in ClinVar's aggregate classification.

GeneReviews
No classification provided. Condition: Pseudohypoaldosteronism type 2B. Review status: no classification provided. Collection method: literature only. Allele origin: germline. Not counted in ClinVar's aggregate classification.

Literature cited by the submitters: PubMed 718348 (cited by OMIM); PubMed 9171836 (cited by OMIM); PubMed 11498583 (cited by OMIM); PubMed 15292344 (cited by OMIM); PubMed 12107233 (cited by OMIM); NCBI Bookshelf NBK65707 (cited by GeneReviews).

NM_032387.5(WNK4):c.1693C>G (p.Gln565Glu)

Gene: WNK4 (WNK lysine deficient protein kinase 4; plus strand). Cytogenetic location: 17q21.2.
Variant type: single nucleotide variant.
Coding change: c.1693C>G on transcript NM_032387.5 (MANE Select); coding-DNA position 1693, C replaced by G.
Protein change: p.Gln565Glu; replaces glutamine 565 with glutamic acid.
Molecular consequence: missense variant.
Genome position (GRCh38, 1-based): chr17:42,787,494, C>G. VCF-style: chr17-42787494-C-G. GRCh37 (hg19) VCF-style: chr17-40939512-C-G.
Other names: c.685C>G, p.Gln229Glu (NM_001321299.2); short protein forms Q565E, Q229E.
Identifiers: ClinVar variation 7660 (VCV000007660.5), dbSNP rs137853092, ClinGen allele CA254225.